The following is an entry in ClinVar:

NM_001104631.2(PDE4D):c.456-214391C>G

Gene: PDE4D (phosphodiesterase 4D; minus strand). Cytogenetic location: 5q11.2.
Variant type: single nucleotide variant.
Coding change: c.456-214391C>G on transcript NM_001104631.2 (MANE Select); 214391 bases into the intron before coding-DNA position 456, C replaced by G.
Molecular consequence: intron variant. On other transcripts: missense variant (1).
Genome position (GRCh38, 1-based): chr5:59,430,359, G>C on the plus strand (C>G on the coding strand, the complement: PDE4D is on the minus strand). VCF-style: chr5-59430359-G-C. GRCh37 (hg19) VCF-style: chr5-58726185-G-C.
Other names: c.273-214391C>G (NM_001364599.1, NM_001165899.2, NM_001364600.2); c.-239-214391C>G (NM_001349243.2); c.243-214391C>G (NM_001349241.2); c.264-214391C>G (NM_001197218.2, NM_001364602.2, NM_001364601.1); c.-495-214391C>G (NM_001364603.1); c.-240+155970C>G (NM_001364604.1); c.47+155970C>G (NM_006203.5); c.60C>G, p.Ser20Arg (NM_001349242.2); short protein forms S20R.
Identifiers: ClinVar variation 3025772 (VCV003025772.23), dbSNP rs139967640, ClinGen allele CA119220394.

ClinVar aggregate classification (germline): Likely benign. Review status: criteria provided, multiple submitters, no conflicts (2 of 4 stars). 2 submissions from 2 submitters: Likely benign (2). Last evaluated 2026-08-01.

Allele frequency attached by ClinVar (database versions not stated): 1000 Genomes Project 0.00200; 1000 Genomes Project 30x 0.00219; gnomAD 0.00311; gnomAD exomes 0.00352.
gnomAD v4.1: 4,275 of 1,231,238 alleles (0.35%); highest among the groups gnomAD compares: Non-Finnish European, 0.36%; 20 homozygotes.

Submissions (2):

CeGaT Center for Human Genetics Tuebingen
Classification: Likely benign. Last evaluated: 2026-08-01. Review status: criteria provided, single submitter. Criteria: CeGaT Center For Human Genetics Tuebingen Variant Classification Criteria Version 2. Collection method: clinical testing. Allele origin: germline. Affected: yes. Observed: 3 variant alleles.
Comment: PDE4D: BS2

Blueprint Genetics
Classification: Likely benign. Last evaluated: 2024-11-11. Review status: criteria provided, single submitter. Criteria: ACMG Guidelines, 2015. Collection method: clinical testing. Allele origin: germline.